The following is an entry in ClinVar:

NM_001378609.3(OTOGL):c.6312A>T (p.Gly2104=)

Gene: OTOGL (otogelin like; plus strand). Cytogenetic location: 12q21.31.
Variant type: single nucleotide variant.
Coding change: c.6312A>T on transcript NM_001378609.3 (MANE Select); coding-DNA position 6312, A replaced by T.
Protein change: p.Gly2104=; no amino-acid change (glycine 2104 retained).
Molecular consequence: synonymous variant.
Genome position (GRCh38, 1-based): chr12:80,366,618, A>T. VCF-style: chr12-80366618-A-T. GRCh37 (hg19) VCF-style: chr12-80760398-A-T.
Other names: c.6177A>T, p.Gly2059= (NM_001368062.3); c.6312A>T, p.Gly2104= (NM_001378610.3, NM_173591.7).
Identifiers: ClinVar variation 4873775 (VCV004873775.2).
Genomic context (GRCh38, chr12:80,366,618, plus strand): 5'-AGTATATTTTCAATAGGGAGAATTTACTGCAATAGACCATAACTTCCAGAGTGATTGTGG[A>T]TGCATACAGTATCTCTGTGGTAACTATGTCTTTTGTAACTTTTAAATTATAAATGAATAT-3'
Protein context (NP_001365538.2, residues 2094-2114): AIDHNFQSDC[Gly2104=]CIQYLCEKDD

ClinVar aggregate classification (germline): Likely benign (1 of 4 stars; one submission).

gnomAD v4.1: 7 of 1,421,662 alleles (0.00049%); highest among the groups gnomAD compares: Non-Finnish European, 0.00065%; no homozygotes.

Submission:

CeGaT Center for Human Genetics Tuebingen
Classification: Likely benign. Last evaluated: 2026-04-01. Review status: criteria provided, single submitter. Criteria: CeGaT Center For Human Genetics Tuebingen Variant Classification Criteria Version 2. Collection method: clinical testing. Allele origin: germline. Affected: yes. Observed: 1 variant allele.
Comment: OTOGL: BP7